The following is an entry in ClinVar:

ClinVar aggregate classification (germline): Uncertain significance (1 of 4 stars; one submission).

Conditions:
Hereditary cancer-predisposing syndrome. Also called: Hereditary Cancer Syndrome; Hereditary neoplastic syndrome; Neoplastic Syndromes, Hereditary; Tumor predisposition. Identifiers: Orphanet 140162, MedGen C0027672, MeSH D009386, MONDO:0015356.

Submission:

Ambry Genetics
Classification: Uncertain significance for Hereditary cancer-predisposing syndrome. Last evaluated: 2025-04-22. Review status: criteria provided, single submitter. Criteria: Ambry Variant Classification Scheme 2023. Collection method: clinical testing. Allele origin: germline.
Comment: The p.A272V variant (also known as c.815C>T), located in coding exon 7 of the APC gene, results from a C to T substitution at nucleotide position 815. The alanine at codon 272 is replaced by valine, an amino acid with similar properties. This amino acid position is highly conserved in available vertebrate species. In addition, in silico predictors for this gene do not accurately predict pathogenicity. Missense alterations in APC are not a common cause of disease (Spier I et al. Genet Med. 2024 Feb;26(2):100992). Based on the available evidence, the clinical significance of this variant remains unclear.

NM_000038.6(APC):c.815C>T (p.Ala272Val)

Gene: APC (APC regulator of Wnt signaling pathway; plus strand). Cytogenetic location: 5q22.2.
Variant type: single nucleotide variant.
Coding change: c.815C>T on transcript NM_000038.6 (MANE Select); coding-DNA position 815, C replaced by T.
Protein change: p.Ala272Val; replaces alanine 272 with valine.
Molecular consequence: missense variant. On other transcripts: 5 prime UTR variant (4), non-coding transcript variant (2).
Genome position (GRCh38, 1-based): chr5:112,801,364, C>T. VCF-style: chr5-112801364-C-T. GRCh37 (hg19) VCF-style: chr5-112137061-C-T.
Other names: c.815C>T, p.Ala272Val (NM_001127510.3, NM_001354895.2, NM_001354896.2 and 12 more transcripts); c.761C>T, p.Ala254Val (NM_001127511.3); c.845C>T, p.Ala282Val (NM_001354897.2, NM_001354902.2, NM_001407446.1); c.740C>T, p.Ala247Val (NM_001354898.2, NM_001354904.2, NM_001407451.1); c.731C>T, p.Ala244Val (NM_001354899.2, NM_001407452.1, NM_001407467.1 and 1 more transcripts); c.638C>T, p.Ala213Val (NM_001354900.2, NM_001354901.2, NM_001354905.2 and 1 more transcripts); c.-221C>T (NM_001354906.2, NM_001407470.1, NM_001407471.1 and 1 more transcripts); short protein forms A247V, A244V, A213V, A272V, A254V, A282V.
Identifiers: ClinVar variation 3928406 (VCV003928406.1).